The following is an entry in ClinVar:

ClinVar aggregate classification (germline): Uncertain significance (1 of 4 stars; one submission).

gnomAD v4.1: 1 of 1,614,220 alleles (0.000062%); no homozygotes.

Submission:

GeneDx
Classification: Uncertain significance. Last evaluated: 2024-03-12. Review status: criteria provided, single submitter. Criteria: GeneDx Variant Classification Process June 2021. Collection method: clinical testing. Allele origin: germline. Affected: yes.
Comment: Not observed at significant frequency in large population cohorts (gnomAD); In silico analysis supports that this missense variant has a deleterious effect on protein structure/function; Has not been previously published as pathogenic or benign to our knowledge

NM_003024.3(ITSN1):c.1103G>A (p.Arg368Gln)

Gene: ITSN1 (intersectin 1; plus strand). Cytogenetic location: 21q22.11.
Variant type: single nucleotide variant.
Coding change: c.1103G>A on transcript NM_003024.3 (MANE Select); coding-DNA position 1103, G replaced by A.
Protein change: p.Arg368Gln; replaces arginine 368 with glutamine.
Molecular consequence: missense variant.
Genome position (GRCh38, 1-based): chr21:33,772,121, G>A. VCF-style: chr21-33772121-G-A. GRCh37 (hg19) VCF-style: chr21-35144425-G-A.
Other names: c.1103G>A, p.Arg368Gln (NM_001001132.2, NM_001331008.2, NM_001331009.2 and 2 more transcripts); c.992G>A, p.Arg331Gln (NM_001331012.2); short protein forms R331Q, R368Q.
Identifiers: ClinVar variation 3370759 (VCV003370759.1).